The following is an entry in ClinVar:

NC_000023.10:g.(31366752_31462597)_(31986632_32235032)dup

Gene: DMD (dystrophin; minus strand). Cytogenetic location: Xp21.2-21.1.
Variant type: Duplication.
Identifiers: ClinVar variation 1339693 (VCV001339693.2).

ClinVar aggregate classification (germline): Uncertain significance (1 of 4 stars; one submission).

Submission:

Women's Health and Genetics/Laboratory Corporation of America, LabCorp
Classification: Uncertain significance. Last evaluated: 2025-04-07. Review status: criteria provided, single submitter. Criteria: LabCorp Variant Classification Summary - May 2015. Collection method: clinical testing. Allele origin: germline.
Comment: Variant summary: The variant involves the duplication of exons 45-60 in the DMD gene. A presumed nomenclature of c.(6438+1_6439-1)_(9084+1_9085-1)dup has been designated for the purposes of this classification. It is assumed to be a tandem duplication in direct orientation (PMIDs: 25640679, 30054569). This Copy Number Variant (CNV) is predicted to result in an in-frame duplication within this gene. The variant was absent in 16120 control chromosomes. The available data on variant occurrences in the general population are insufficient to allow any conclusion about variant significance. c.(6438+1_6439-1)_(9084+1_9085-1)dup has been reported in the literature in at-least one individual affected with Duchenne Muscular Dystrophy (example: Mah_2011). These data do not allow any conclusion about variant significance. To our knowledge, no experimental evidence demonstrating an impact on protein function has been reported. The following publication has been ascertained in the context of this evaluation (PMID: 21515508). ClinVar contains an entry for this variant (Variation ID: 653527). Based on the evidence outlined above, the variant was classified as uncertain significance.

Literature cited by the submitters: PubMed 21515508.